The following is an entry in ClinVar:

NM_017514.5(PLXNA3):c.3441+5G>A

Gene: PLXNA3 (plexin A3; plus strand). Cytogenetic location: Xq28.
Variant type: single nucleotide variant.
Coding change: c.3441+5G>A on transcript NM_017514.5 (MANE Select); 5 bases into the intron after coding-DNA position 3441, G replaced by A.
Molecular consequence: intron variant.
Genome position (GRCh38, 1-based): chrX:154,467,476, G>A. VCF-style: chrX-154467476-G-A. GRCh37 (hg19) VCF-style: chrX-153695819-G-A.
Identifiers: ClinVar variation 750459 (VCV000750459.5), dbSNP rs781871529, ClinGen allele CA10564621.
Genomic context (GRCh38, chrX:154,467,476, plus strand): 5'-CGCTGGGGCCCTCTGGCGTGCTGGACGTCAAACCGGGCTCCCACGTGGTGCTGAAGGTGC[G>A]GGCGGGGTGGGGGCGGGGAGGGGCGGGAAAGTGGAGAGTCCTGGGCTGAAGTTGTCCTCC-3'

ClinVar aggregate classification (germline): Likely benign. Review status: criteria provided, single submitter (1 of 4 stars). 2 submissions from 2 submitters: Likely benign (1). 1 of the submissions does not count toward it. Last evaluated 2018-06-20.

Conditions:
PLXNA3-related disorder. Also called: PLXNA3-related condition.

Allele frequency attached by ClinVar (database versions not stated): gnomAD 0.00008 and 0.00010; TOPMed 0.00009; gnomAD exomes 0.00024; ExAC 0.00036.

Submissions (2):

Labcorp Genetics (formerly Invitae), Labcorp
Classification: Likely benign. Last evaluated: 2018-06-20. Review status: criteria provided, single submitter. Criteria: Invitae Variant Classification Sherloc (09022015). Collection method: clinical testing. Allele origin: germline.

PreventionGenetics, part of Exact Sciences
Classification: Likely benign for PLXNA3-related condition. Last evaluated: 2023-06-14. Review status: no assertion criteria provided. Collection method: clinical testing. Allele origin: germline. Not counted in ClinVar's aggregate classification.
Comment: This variant is classified as likely benign based on ACMG/AMP sequence variant interpretation guidelines (Richards et al. 2015 PMID: 25741868, with internal and published modifications).